The following is an entry in ClinVar:

ClinVar aggregate classification (germline): Likely pathogenic (1 of 4 stars; one submission).

Submission:

Quest Diagnostics Nichols Institute San Juan Capistrano
Classification: Likely pathogenic. Last evaluated: 2025-05-19. Review status: criteria provided, single submitter. Criteria: ACMG/ClinGen CNV Guidelines, 2019. Collection method: clinical testing. Allele origin: unknown.
Comment: This copy number gain involves at least eleven protein-coding genes, including NDE1 (OMIM 609449) and MYH11 (OMIM 160745). This recurrent duplication of 16p13.11 (BP2-BP4; see ISCA-37415 for BP2-BP3 duplication) is associated with a range of phenotypes (Hamad 2023). These gains are often inherited from a mildly affected or unaffected parent. Therefore, this copy number variant (CNV) is classified as likely pathogenic, with reduced penetrance and variable expressivity. References: Hamad et al., Eur J Med Genet. 2023 Apr;66(4):104714. PMID: 36724812

GRCh37/hg19 16p13.11-12.3(chr16:15481920-18164698)x3

Genes: ABCC1 (ATP binding cassette subfamily C member 1 (ABCC1 blood group); plus strand), MYH11 (myosin heavy chain 11; minus strand), NDE1 (nudE neurodevelopment protein 1; plus strand), NOMO3 (NODAL modulator 3; plus strand), XYLT1 (xylosyltransferase 1; minus strand) and 5 more. Cytogenetic location: 16p13.11-12.3.
Variant type: copy number gain.
Change: copy number 3 (three copies instead of two) of chr16:15,481,920-18,164,698 (2.68 Mb, GRCh37 coordinates, 1-based), cytogenetic band 16p13.11-12.3.
Identifiers: ClinVar variation 980081 (VCV000980081.3).